The following is an entry in ClinVar:

NM_015450.3(POT1):c.424A>C (p.Thr142Pro)

Gene: POT1 (protection of telomeres 1; minus strand). Cytogenetic location: 7q31.33.
Variant type: single nucleotide variant.
Coding change: c.424A>C on transcript NM_015450.3 (MANE Select); coding-DNA position 424, A replaced by C.
Protein change: p.Thr142Pro; replaces threonine 142 with proline.
Molecular consequence: missense variant. On other transcripts: non-coding transcript variant (3).
Genome position (GRCh38, 1-based): chr7:124,863,472, T>G on the plus strand (A>C on the coding strand, the complement: POT1 is on the minus strand). VCF-style: chr7-124863472-T-G. GRCh37 (hg19) VCF-style: chr7-124503526-T-G.
Other names: c.424A>C (NM_015450.2); c.31A>C, p.Thr11Pro (NM_001042594.2); short protein forms T11P, T142P.
Identifiers: ClinVar variation 4693575 (VCV004693575.2).

ClinVar aggregate classification (germline): Uncertain significance. Review status: criteria provided, multiple submitters, no conflicts (2 of 4 stars). 2 submissions from 2 submitters: Uncertain significance (2). Last evaluated 2026-04-12.

Conditions:
Hereditary cancer-predisposing syndrome. Also called: Neoplastic Syndromes, Hereditary; Tumor predisposition; Hereditary Cancer Syndrome; Hereditary neoplastic syndrome. Identifiers: Orphanet 140162, MedGen C0027672, MeSH D009386, MONDO:0015356.
Tumor predisposition syndrome 3 (TPDS3). Also called: Glioma susceptibility 9; LONG TELOMERE SYNDROME, POT1-RELATED; POT1 Tumor Predisposition; Melanoma, cutaneous malignant, susceptibility to, 10. Identifiers: Orphanet 618, MedGen C4014476, MONDO:0014368, OMIM 615848.

Submissions (2):

Ambry Genetics
Classification: Uncertain significance for Hereditary cancer-predisposing syndrome. Last evaluated: 2026-04-12. Review status: criteria provided, single submitter. Criteria: Ambry Variant Classification Scheme 2023. Collection method: clinical testing. Allele origin: germline.
Comment: The p.T142P variant (also known as c.424A>C), located in coding exon 4 of the POT1 gene, results from an A to C substitution at nucleotide position 424. The threonine at codon 142 is replaced by proline, an amino acid with highly similar properties. This amino acid position is conserved. In addition, this alteration is predicted to be tolerated by in silico analysis. Based on the available evidence, the clinical significance of this variant remains unclear.

Labcorp Genetics (formerly Invitae), Labcorp
Classification: Uncertain significance for Tumor predisposition syndrome 3. Last evaluated: 2025-12-13. Review status: criteria provided, single submitter. Criteria: Invitae Variant Classification Sherloc (09022015). Collection method: clinical testing. Allele origin: germline.
Comment: This sequence change replaces threonine, which is neutral and polar, with proline, which is neutral and non-polar, at codon 142 of the POT1 protein (p.Thr142Pro). This variant is not present in population databases (gnomAD no frequency). This variant has not been reported in the literature in individuals affected with POT1-related conditions. Invitae Evidence Modeling of protein sequence and biophysical properties (such as structural, functional, and spatial information, amino acid conservation, physicochemical variation, residue mobility, and thermodynamic stability) indicates that this missense variant is not expected to disrupt POT1 protein function with a negative predictive value of 80%. In summary, the available evidence is currently insufficient to determine the role of this variant in disease. Therefore, it has been classified as a Variant of Uncertain Significance.